The following is an entry in ClinVar:

NM_001303256.3(MORC2):c.2924C>A (p.Ala975Asp)

Gene: MORC2 (MORC family CW-type zinc finger 2; minus strand). Cytogenetic location: 22q12.2.
Variant type: single nucleotide variant.
Coding change: c.2924C>A on transcript NM_001303256.3 (MANE Select); coding-DNA position 2924, C replaced by A.
Protein change: p.Ala975Asp; replaces alanine 975 with aspartic acid.
Molecular consequence: missense variant.
Genome position (GRCh38, 1-based): chr22:30,928,125, G>T on the plus strand (C>A on the coding strand, the complement: MORC2 is on the minus strand). VCF-style: chr22-30928125-G-T. GRCh37 (hg19) VCF-style: chr22-31324112-G-T.
Other names: c.2924C>A, p.Ala975Asp (NM_001303257.2); c.2738C>A, p.Ala913Asp (NM_014941.3); short protein forms A913D, A975D.
Identifiers: ClinVar variation 2505060 (VCV002505060.1), dbSNP rs1569186001, ClinGen allele CA411229843.

ClinVar aggregate classification (germline): Uncertain significance (1 of 4 stars; one submission).

Allele frequency attached by ClinVar (database versions not stated): gnomAD exomes below 0.00001.
gnomAD v4.1: 1 of 1,614,136 alleles (0.000062%); highest among the groups gnomAD compares: African/African-American, 0.0013%; no homozygotes.

Submission:

GeneDx
Classification: Uncertain significance. Last evaluated: 2022-12-12. Review status: criteria provided, single submitter. Criteria: GeneDx Variant Classification Process June 2021. Collection method: clinical testing. Allele origin: germline. Affected: yes.
Comment: Not observed at significant frequency in large population cohorts (gnomAD); In silico analysis supports that this missense variant has a deleterious effect on protein structure/function; Has not been previously published as pathogenic or benign to our knowledge